The following is an entry in ClinVar:

NM_000064.4(C3):c.2987A>C (p.Asp996Ala)

Gene: C3 (complement C3; minus strand). Cytogenetic location: 19p13.3.
Variant type: single nucleotide variant.
Coding change: c.2987A>C on transcript NM_000064.4 (MANE Select); coding-DNA position 2987, A replaced by C.
Protein change: p.Asp996Ala; replaces aspartic acid 996 with alanine.
Molecular consequence: missense variant.
Genome position (GRCh38, 1-based): chr19:6,694,598, T>G on the plus strand (A>C on the coding strand, the complement: C3 is on the minus strand). VCF-style: chr19-6694598-T-G. GRCh37 (hg19) VCF-style: chr19-6694609-T-G.
Other names: short protein forms D996A.
Identifiers: ClinVar variation 4280174 (VCV004280174.1).

ClinVar aggregate classification (germline): Uncertain significance (1 of 4 stars; one submission).

Conditions:
Complement component 3 deficiency. Identifiers: Orphanet 280133, MedGen C3151071, MONDO:0013417, OMIM 613779.
C3 glomerulonephritis. Also called: Nephropathy due to CFHR5 Deficiency; C3 GLOMERULOPATHY 3. Identifiers: Orphanet 329931, MedGen C4055342, MONDO:0013892, OMIM 614809.
Atypical hemolytic-uremic syndrome. Identifiers: Orphanet 2134, MedGen C2931788, MONDO:0016244.

Submission:

Genomenon, Inc
Classification: Uncertain significance for Complement component 3 deficiency; C3 glomerulonephritis; Atypical hemolytic-uremic syndrome. Last evaluated: 2025-09-30. Review status: criteria provided, single submitter. Criteria: Genomenon Sequence Variant Interpretation Standards. Collection method: curation. Allele origin: germline. Affected: no.
Comment: C3 p.Asp996Ala (c.2987A>C) is a missense variant that changes the amino acid at residue 996 from Aspartic acid to Alanine. This variant has been reported in the published literature (PMID:28254726). It is absent or not present at a significant frequency in gnomAD. In silico models agree that this variant is not damaging. In conclusion, we classify C3 p.Asp996Ala (c.2987A>C) as a variant of unknown significance.

Literature cited by the submitters: PubMed 28254726.